The following is an entry in ClinVar:

ClinVar aggregate classification (somatic clinical impact): Tier II - Potential (1 of 4 stars; one submission).

Conditions:
IDH-wildtype glioblastoma. Identifiers: MedGen CN372125, MONDO:0850335.

gnomAD v4.1: 3 of 1,551,582 alleles (0.00019%); highest among the groups gnomAD compares: South Asian, 0.0012%; no homozygotes.

Submission:

Institute for Genomic Medicine (IGM) Clinical Laboratory, Nationwide Children's Hospital
Classification: Tier II - Potential for IDH-wildtype glioblastoma. Assertion type: diagnostic. Clinical significance: supports diagnosis. Last evaluated: 2023-01-09. Review status: criteria provided, single submitter. Criteria: AMP/ASCO/CAP Guidelines, 2017. Collection method: clinical testing. Allele origin: somatic. Affected: yes.
Comment: Variant has Tier II (potential) clinical significance as a diagnostic inclusion criterion in IDH-wildtype glioblastoma, based on the following evidence: 1) Documented in one or more cancer databases (e.g., St. Jude Pecan, COSMIC, CIViC, OncoKB). 2) Assists in diagnosis alone or along with other biomarkers based on small studies or few case reports (Evidence Level D; PMID: 19483684).

Literature cited by the submitters: PubMed 19483684.

NM_001127208.3(TET2):c.4351C>T (p.Arg1451Trp)

Genes: TET2-AS1 (TET2 antisense RNA 1; minus strand), TET2 (tet methylcytosine dioxygenase 2; plus strand). Cytogenetic location: 4q24.
Variant type: single nucleotide variant.
Coding change: c.4351C>T on transcript NM_001127208.3 (MANE Select); coding-DNA position 4351, C replaced by T.
Protein change: p.Arg1451Trp; replaces arginine 1451 with tryptophan.
Molecular consequence: missense variant.
Genome position (GRCh38, 1-based): chr4:105,272,732, C>T. VCF-style: chr4-105272732-C-T. GRCh37 (hg19) VCF-style: chr4-106193889-C-T.
Other names: short protein forms R1451W.
Identifiers: ClinVar variation 4530444 (VCV004530444.1).